The following is an entry in ClinVar:

NM_002878.4(RAD51D):c.4G>T (p.Gly2Cys)

Genes: RAD51D (RAD51 paralog D; minus strand), RAD51L3-RFFL (RAD51L3-RFFL readthrough; minus strand). Cytogenetic location: 17q12.
Variant type: single nucleotide variant.
Coding change: c.4G>T on transcript NM_002878.4 (MANE Select); coding-DNA position 4, G replaced by T.
Protein change: p.Gly2Cys; replaces glycine 2 with cysteine.
Molecular consequence: missense variant. On other transcripts: non-coding transcript variant (2).
Genome position (GRCh38, 1-based): chr17:35,119,610, C>A on the plus strand (G>T on the coding strand, the complement: RAD51D is on the minus strand). VCF-style: chr17-35119610-C-A. GRCh37 (hg19) VCF-style: chr17-33446629-C-A.
Other names: c.4G>T, p.Gly2Cys (NM_001142571.2, NM_133629.3); short protein forms G2C.
Identifiers: ClinVar variation 421161 (VCV000421161.11), dbSNP rs372082751, ClinGen allele CA8499711.
Genomic context (GRCh38, chr17:35,119,610, plus strand): 5'-TCCTGAGAAGCTGGATCATCTCCTCGGTAAGGCCAGGGCACAGTCCGACCCTGAGCACGC[C>A]CATGTTCCCCGCAGGCCGGAACAGCCCCAGGGGGACTGCACGTCACGTGGGCATTCGCGG-3'
Protein context (NP_002869.3, residues 1-12): M[Gly2Cys]VLRVGLCPGL

ClinVar aggregate classification (germline): Uncertain significance. Review status: criteria provided, multiple submitters, no conflicts (2 of 4 stars). 2 submissions from 2 submitters: Uncertain significance (2). Last evaluated 2024-02-15.

Conditions:
Breast-ovarian cancer, familial, susceptibility to, 4. Identifiers: Orphanet 145, MedGen C3280345, MONDO:0013669, OMIM 614291.

gnomAD v4.1: 1 of 1,611,252 alleles (0.000062%); highest among the groups gnomAD compares: Non-Finnish European, 0.000085%; no homozygotes.

Submissions (2):

Labcorp Genetics (formerly Invitae), Labcorp
Classification: Uncertain significance for Breast-ovarian cancer, familial, susceptibility to, 4. Last evaluated: 2024-02-15. Review status: criteria provided, single submitter. Criteria: Invitae Variant Classification Sherloc (09022015). Collection method: clinical testing. Allele origin: germline.
Comment: This sequence change replaces glycine, which is neutral and non-polar, with cysteine, which is neutral and slightly polar, at codon 2 of the RAD51D protein (p.Gly2Cys). This variant is present in population databases (rs372082751, gnomAD 0.0009%). This variant has not been reported in the literature in individuals affected with RAD51D-related conditions. ClinVar contains an entry for this variant (Variation ID: 421161). An algorithm developed to predict the effect of missense changes on protein structure and function (PolyPhen-2) suggests that this variant is likely to be disruptive. In summary, the available evidence is currently insufficient to determine the role of this variant in disease. Therefore, it has been classified as a Variant of Uncertain Significance.

GeneDx
Classification: Uncertain significance. Last evaluated: 2016-05-09. Review status: criteria provided, single submitter. Criteria: GeneDx Variant Classification (06012015). Collection method: clinical testing. Allele origin: germline. Affected: yes.
Comment: This variant is denoted RAD51D c.4G>T at the cDNA level, p.Gly2Cys (G2C) at the protein level, and results in the change of a Glycine to a Cysteine (GGC>TGC). This variant has not, to our knowledge, been published in the literature as pathogenic or benign. RAD51D Gly2Cys was not observed in approximately 6,500 individuals of European and African American ancestry in the NHLBI Exome Sequencing Project, suggesting it is not a common benign variant in these populations. Since Glycine and Cysteine differ in polarity, charge, size or other properties, this is considered a non-conservative amino acid substitution. RAD51D Gly2Cys occurs at a position where amino acids with properties similar to Glycine are tolerated across species and is located in the region that preferentially binds ssDNA (Kim 2011, UniProt). In silico analyses are inconsistent regarding the effect this variant may have on protein structure and function. This variant occurs in a conserved nucleotide in the Kozak consensus sequence and therefore may impact protein translation; however, in the absence of functional studies, the actual effect of this variant is unknown. Based on currently available evidence, it is unclear whether RAD51D Gly2Cys is pathogenic or benign. We consider it to be a variant of uncertain significance.